The following is an entry in ClinVar:

NM_000128.4(F11):c.1609A>T (p.Ile537Leu)

Genes: F11 (coagulation factor XI; plus strand), F11-AS1 (F11 antisense RNA 1; minus strand). Cytogenetic location: 4q35.2.
Variant type: single nucleotide variant.
Coding change: c.1609A>T on transcript NM_000128.4 (MANE Select); coding-DNA position 1609, A replaced by T.
Protein change: p.Ile537Leu; replaces isoleucine 537 with leucine.
Molecular consequence: missense variant.
Genome position (GRCh38, 1-based): chr4:186,287,716, A>T. VCF-style: chr4-186287716-A-T. GRCh37 (hg19) VCF-style: chr4-187208870-A-T.
Other names: c.1609A>T (NM_000128.3); short protein forms I537L.
Identifiers: ClinVar variation 989871 (VCV000989871.4), dbSNP rs199911285, ClinGen allele CA3164057.

ClinVar aggregate classification (germline): Uncertain significance. Review status: criteria provided, multiple submitters, no conflicts (2 of 4 stars). 3 submissions from 3 submitters: Uncertain significance (2). 1 of the submissions does not count toward it. Last evaluated 2025-05-06.

Conditions:
Inborn genetic diseases. Identifiers: MedGen C0950123, MeSH D030342.
Plasma factor XI deficiency.

Allele frequency attached by ClinVar (database versions not stated): gnomAD exomes 0.00001; 1000 Genomes Project 30x 0.00031; gnomAD 0.00001; TOPMed 0.00002; 1000 Genomes Project 0.00020; ExAC 0.00001.
gnomAD v4.1: 5 of 1,613,610 alleles (0.00031%); highest among the groups gnomAD compares: East Asian, 0.011%; no homozygotes.

Submissions (3):

Ambry Genetics
Classification: Uncertain significance for Inborn genetic diseases. Last evaluated: 2025-05-06. Review status: criteria provided, single submitter. Criteria: Ambry Variant Classification Scheme 2023. Collection method: clinical testing. Allele origin: germline.

Women's Health and Genetics/Laboratory Corporation of America, LabCorp
Classification: Uncertain significance. Last evaluated: 2024-03-14. Review status: criteria provided, single submitter. Criteria: LabCorp Variant Classification Summary - May 2015. Collection method: clinical testing. Allele origin: germline.
Comment: Variant summary: F11 c.1609A>T (p.Ile537Leu) results in a conservative amino acid change located in the Serine proteases, trypsin domain of the encoded protein sequence. Five of five in-silico tools predict a benign effect of the variant on protein function. The variant allele was found at a frequency of 1.2e-05 in 251458 control chromosomes. The available data on variant occurrences in the general population are insufficient to allow any conclusion about variant significance. To our knowledge, no occurrence of c.1609A>T in individuals affected with Hereditary factor XI deficiency disease and no experimental evidence demonstrating its impact on protein function have been reported. ClinVar contains an entry for this variant (Variation ID: 989871). Based on the evidence outlined above, the variant was classified as uncertain significance.

Natera, Inc.
Classification: Uncertain significance for Plasma factor XI deficiency. Last evaluated: 2020-08-05. Review status: no assertion criteria provided. Collection method: clinical testing. Allele origin: germline. Not counted in ClinVar's aggregate classification.